The following is an entry in ClinVar:

NM_001267550.2(TTN):c.25783A>T (p.Lys8595Ter)

Gene: TTN (titin; minus strand). Cytogenetic location: 2q31.2.
Variant type: single nucleotide variant.
Coding change: c.25783A>T on transcript NM_001267550.2 (MANE Select); coding-DNA position 25783, A replaced by T.
Protein change: p.Lys8595Ter; replaces lysine 8595 with a stop codon.
Molecular consequence: nonsense. On other transcripts: intron variant (3).
Genome position (GRCh38, 1-based): chr2:178,715,631, T>A on the plus strand (A>T on the coding strand, the complement: TTN is on the minus strand). VCF-style: chr2-178715631-T-A. GRCh37 (hg19) VCF-style: chr2-179580358-T-A.
Other names: c.24832A>T, p.Lys8278Ter (NM_001256850.1); c.22051A>T, p.Lys7351Ter (NM_133378.4); c.13282+22451A>T (NM_003319.4); c.13858+22451A>T (NM_133437.4); c.13657+22451A>T (NM_133432.3); short protein forms K7351*, K8278*, K8595*.
Identifiers: ClinVar variation 654623 (VCV000654623.12), dbSNP rs887577241, ClinGen allele CA60969223.

ClinVar aggregate classification (germline): Likely pathogenic. Review status: criteria provided, multiple submitters, no conflicts (2 of 4 stars). 2 submissions from 2 submitters: Likely pathogenic (2). Last evaluated 2024-11-04.

Conditions:
Autosomal recessive limb-girdle muscular dystrophy type 2J (LGMDR10). Also called: Limb-girdle muscular dystrophy, type 2J; MUSCULAR DYSTROPHY, LIMB-GIRDLE, AUTOSOMAL RECESSIVE 10. Identifiers: Orphanet 140922, MedGen C1837342, MONDO:0012127, OMIM 608807.
Dilated cardiomyopathy 1G (CMD1G). Identifiers: Orphanet 154, MedGen C1858763, MONDO:0011400, OMIM 604145.

Allele frequency attached by ClinVar (database versions not stated): gnomAD 0.00001.
gnomAD v4.1: 1 of 1,613,526 alleles (0.000062%); highest among the groups gnomAD compares: African/African-American, 0.0013%; no homozygotes.

Submissions (2):

Labcorp Genetics (formerly Invitae), Labcorp
Classification: Likely pathogenic for Dilated cardiomyopathy 1G; Autosomal recessive limb-girdle muscular dystrophy type 2J. Last evaluated: 2024-11-04. Review status: criteria provided, single submitter. Criteria: Invitae Variant Classification Sherloc (09022015). Collection method: clinical testing. Allele origin: germline.
Comment: This sequence change creates a premature translational stop signal (p.Lys8595*) in the TTN gene. While this is not anticipated to result in nonsense mediated decay, it is expected to create a truncated TTN protein. This variant is not present in population databases (gnomAD no frequency). This variant has not been reported in the literature in individuals affected with TTN-related conditions. ClinVar contains an entry for this variant (Variation ID: 654623). Algorithms developed to predict the effect of sequence changes on RNA splicing suggest that this variant may disrupt the consensus splice site. This variant is located in the I band of TTN (PMID: 25589632). Truncating variants in this region have been reported in individuals affected with autosomal recessive centronuclear myopathy (PMID: 23975875, internal data). Truncating variants in this region have also been identified in individuals affected with autosomal dominant dilated cardiomyopathy and/or cardio-related conditions (PMID: 27869827, 32964742, internal data). In summary, the currently available evidence indicates that the variant is pathogenic, but additional data are needed to prove that conclusively. Therefore, this variant has been classified as Likely Pathogenic.

Women's Health and Genetics/Laboratory Corporation of America, LabCorp
Classification: Likely pathogenic for Autosomal recessive limb-girdle muscular dystrophy type 2J. Last evaluated: 2024-07-18. Review status: criteria provided, single submitter. Criteria: LabCorp Variant Classification Summary - May 2015. Collection method: clinical testing. Allele origin: germline.
Comment: Variant summary: TTN c.22051A>T (p.Lys7351X) results in a premature termination codon, predicted to cause a truncation of the encoded protein or absence of the protein due to nonsense mediated decay, which are commonly known mechanisms for disease. Nonsense, frameshift, and canonical splice-site variants in TTN are strongly associated with DCM when they affect exons encoding for the A-band region (PMIDs: 22335739, 24503780) and/or exons constitutively expressed (proportion spliced in [PSI]>0.9) in the primary cardiac isoforms (PMIDs: 25589632, 31216868, 32964742, 27869827), which is not the case forthis variant (I band with a PSI score of 59%). Therefore the association of this variant with cardiac muscle phenotype remains unclear. However, the PSI in skeletal muscle is expected to be >90% (PMID: 34461741), suggesting this truncation would be deleterious in that tissue type. The variant was absent in 248626 control chromosomes. The available data on variant occurrences in the general population are insufficient to allow any conclusion about variant significance. To our knowledge, no occurrence of c.22051A>T in individuals affected with TTN-related conditions and no experimental evidence demonstrating its impact on protein function have been reported. ClinVar contains an entry for this variant (Variation ID: 654623). Based on the evidence outlined above, the variant was classified as likely pathogenic for autosomal recessive TTN-related skeletal myopathies.

Literature cited by the submitters: PubMed 25589632 (cited by Labcorp Genetics (formerly Invitae), Labcorp); PubMed 23975875 (cited by Labcorp Genetics (formerly Invitae), Labcorp); PubMed 27869827 (cited by Labcorp Genetics (formerly Invitae), Labcorp); PubMed 32964742 (cited by Labcorp Genetics (formerly Invitae), Labcorp).